The following is an entry in ClinVar:

NM_001283009.2(RTEL1):c.1193T>C (p.Ile398Thr)

Genes: RTEL1 (regulator of telomere elongation helicase 1; plus strand), RTEL1-TNFRSF6B (RTEL1-TNFRSF6B readthrough (NMD candidate); plus strand). Cytogenetic location: 20q13.33.
Variant type: single nucleotide variant.
Coding change: c.1193T>C on transcript NM_001283009.2 (MANE Select); coding-DNA position 1193, T replaced by C.
Protein change: p.Ile398Thr; replaces isoleucine 398 with threonine.
Molecular consequence: missense variant. On other transcripts: non-coding transcript variant (1).
Genome position (GRCh38, 1-based): chr20:63,685,524, T>C. VCF-style: chr20-63685524-T-C. GRCh37 (hg19) VCF-style: chr20-62316877-T-C.
Other names: c.524T>C, p.Ile175Thr (NM_001283010.1); c.1193T>C, p.Ile398Thr (NM_016434.4); c.1265T>C, p.Ile422Thr (NM_032957.5); short protein forms I175T, I398T, I422T.
Identifiers: ClinVar variation 4629514 (VCV004629514.1).

ClinVar aggregate classification (germline): Uncertain significance (1 of 4 stars; one submission).

Conditions:
Inborn genetic diseases. Identifiers: MedGen C0950123, MeSH D030342.

gnomAD v4.1: 1 of 1,612,430 alleles (0.000062%); no homozygotes.

Submission:

Ambry Genetics
Classification: Uncertain significance for Inborn genetic diseases. Last evaluated: 2025-09-25. Review status: criteria provided, single submitter. Criteria: Ambry Variant Classification Scheme 2023. Collection method: clinical testing. Allele origin: germline.
Comment: The p.I398T variant (also known as c.1193T>C), located in coding exon 14 of the RTEL1 gene, results from a T to C substitution at nucleotide position 1193. The isoleucine at codon 398 is replaced by threonine, an amino acid with similar properties. This amino acid position is conserved. In addition, this alteration is predicted to be tolerated by in silico analysis. Based on the available evidence, the clinical significance of this variant remains unclear.